The following is an entry in ClinVar:

NC_000022.10:g.(?_33733612)_(33828271_?)del

Gene: LARGE1 (LARGE xylosyl- and glucuronyltransferase 1; minus strand). Cytogenetic location: 22q12.3.
Variant type: Deletion.
Identifiers: ClinVar variation 1458741 (VCV001458741.8).

ClinVar aggregate classification (germline): Pathogenic (1 of 4 stars; one submission).

Conditions:
Muscular dystrophy-dystroglycanopathy type B6 (MDDGB6). Also called: MUSCULAR DYSTROPHY-DYSTROGLYCANOPATHY (CONGENITAL WITH IMPAIRED INTELLECTUAL DEVELOPMENT), TYPE B, 6; MUSCULAR DYSTROPHY, CONGENITAL, LARGE-RELATED; MUSCULAR DYSTROPHY, CONGENITAL, TYPE 1D. Identifiers: MedGen C1837229, MONDO:0012138, OMIM 608840.

Submission:

Labcorp Genetics (formerly Invitae), Labcorp
Classification: Pathogenic for Muscular dystrophy-dystroglycanopathy type B6. Last evaluated: 2021-02-22. Review status: criteria provided, single submitter. Criteria: Invitae Variant Classification Sherloc (09022015). Collection method: clinical testing. Allele origin: germline.
Comment: For these reasons, this variant has been classified as Pathogenic. This variant has not been reported in the literature in individuals with LARGE1-related conditions. This variant is a gross deletion of the genomic region encompassing exon(s) 8-11 of the LARGE1 gene. This deletion is out-of-frame, and is expected to create a premature translational stop signal and result in an absent or disrupted protein product. Loss-of-function variants in LARGE1 are known to be pathogenic (PMID: 12966029, 17878207).

Literature cited by the submitters: PubMed 12966029; PubMed 17878207.